The following is an entry in ClinVar:

NM_000169.3(GLA):c.1069_1079del (p.Gln357fs)

Genes: GLA (galactosidase alpha; minus strand), RPL36A-HNRNPH2 (RPL36A-HNRNPH2 readthrough; plus strand). Cytogenetic location: Xq22.1.
Variant type: Deletion.
Coding change: c.1069_1079del on transcript NM_000169.3 (MANE Select); coding-DNA positions 1069 to 1079, 11 bases deleted (CAGGAGATTGG).
Protein change: p.Gln357fs; shifts the reading frame from glutamine 357.
Molecular consequence: frameshift variant. On other transcripts: non-coding transcript variant (3), intron variant (2).
Genome position (GRCh38, 1-based): chrX:101,398,020-101,398,030, CCAATCTCCTG deleted on the plus strand (CAGGAGATTGG on the coding strand, the reverse complement: GLA is on the minus strand); deleting any 11 consecutive bases within chrX:101,398,020-101,398,032 gives the same sequence; the c. name uses the placement nearest the transcript's 3' end. VCF-style (leftmost placement, unchanged base first): chrX-101398019-ACCAATCTCCTG-A. GRCh37 (hg19) VCF-style: chrX-100653007-ACCAATCTCCTG-A.
Other names: c.1192_1202del, p.Gln398fs (NM_001406747.1); c.300+2565_300+2575del (NM_001199973.2); c.177+6200_177+6210del (NM_001199974.2); short protein forms Q357fs, Q398fs.
Identifiers: ClinVar variation 4087048 (VCV004087048.2).

ClinVar aggregate classification (germline): Pathogenic (1 of 4 stars; one submission).

Conditions:
Fabry disease. Also called: ALPHA-GALACTOSIDASE A DEFICIENCY; ANDERSON-FABRY DISEASE; CERAMIDE TRIHEXOSIDASE DEFICIENCY; GLA DEFICIENCY; HEREDITARY DYSTOPIC LIPIDOSIS; Angiokeratoma corporis diffusum. Identifiers: Orphanet 324, MedGen C0002986, MONDO:0010526, OMIM 301500, HP:0001071. Disease mechanism: Fabry disease is due to inactivating mutations in the X-linked GLA gene resulting in deficiency of the enzyme Alpha Galactosidase-A., loss of function.

Submission:

Genomenon, Inc
Classification: Pathogenic for Fabry disease. Last evaluated: 2026-09-08. Review status: criteria provided, single submitter. Criteria: Genomenon Sequence Variant Interpretation Standards - Updated. Collection method: curation. Allele origin: germline. Affected: yes.
Comment: GLA p.Gln357TrpfsTer14 (c.1069_1079del) is a frameshift variant that is predicted to introduce a premature termination codon and result in a truncated or absent protein product. This variant has been observed in at least one proband with clinical features consistent with Fabry disease (PMID:32442237). It is absent or not present at a significant frequency in gnomAD. In conclusion, we classify GLA p.Gln357TrpfsTer14 (c.1069_1079del) as a pathogenic variant.

Literature cited by the submitters: PubMed 32442237.